The following is an entry in ClinVar:

ClinVar aggregate classification (germline): Uncertain significance (1 of 4 stars; one submission).

gnomAD v4.1: 8 of 1,611,796 alleles (0.0005%); highest among the groups gnomAD compares: East Asian, 0.016%; no homozygotes.

Submission:

Labcorp Genetics (formerly Invitae), Labcorp
Classification: Uncertain significance. Last evaluated: 2025-12-17. Review status: criteria provided, single submitter. Criteria: Invitae Variant Classification Sherloc (09022015). Collection method: clinical testing. Allele origin: germline.
Comment: This sequence change falls in intron 10 of the RCOR1 gene. It does not directly change the encoded amino acid sequence of the RCOR1 protein. It affects a nucleotide within the consensus splice site. This variant is present in population databases (rs768836772, gnomAD 0.02%). This variant has not been reported in the literature in individuals affected with RCOR1-related conditions. Variants that disrupt the consensus splice site are a relatively common cause of aberrant splicing (PMID: 17576681, 9536098). Algorithms developed to predict the effect of sequence changes on RNA splicing suggest that this variant is not likely to affect RNA splicing. In summary, the available evidence is currently insufficient to determine the role of this variant in disease. Therefore, it has been classified as a Variant of Uncertain Significance.

Literature cited by the submitters: PubMed 17576681; PubMed 9536098.

NM_015156.4(RCOR1):c.1189+6G>C

Gene: RCOR1 (REST corepressor 1; plus strand). Cytogenetic location: 14q32.32.
Variant type: single nucleotide variant.
Coding change: c.1189+6G>C on transcript NM_015156.4 (MANE Select); 6 bases into the intron after coding-DNA position 1189, G replaced by C.
Molecular consequence: intron variant.
Genome position (GRCh38, 1-based): chr14:102,721,383, G>C. VCF-style: chr14-102721383-G-C. GRCh37 (hg19) VCF-style: chr14-103187720-G-C.
Identifiers: ClinVar variation 4701430 (VCV004701430.1).